The following is an entry in ClinVar:

ClinVar aggregate classification (germline): Uncertain significance (1 of 4 stars; one submission).

Conditions:
Dyskeratosis congenita. Identifiers: Orphanet 1775, MedGen C0265965, MONDO:0015780.

Submission:

Labcorp Genetics (formerly Invitae), Labcorp
Classification: Uncertain significance for Dyskeratosis congenita. Last evaluated: 2024-05-10. Review status: criteria provided, single submitter. Criteria: Invitae Variant Classification Sherloc (09022015). Collection method: clinical testing. Allele origin: germline.
Comment: This sequence change falls in intron 7 of the CTC1 gene. It does not directly change the encoded amino acid sequence of the CTC1 protein. It affects a nucleotide within the consensus splice site. This variant is present in population databases (no rsID available, gnomAD 0.0009%). This variant has not been reported in the literature in individuals affected with CTC1-related conditions. Variants that disrupt the consensus splice site are a relatively common cause of aberrant splicing (PMID: 17576681, 9536098). Algorithms developed to predict the effect of sequence changes on RNA splicing suggest that this variant may disrupt the consensus splice site. In summary, the available evidence is currently insufficient to determine the role of this variant in disease. Therefore, it has been classified as a Variant of Uncertain Significance.

Literature cited by the submitters: PubMed 17576681; PubMed 9536098.

NM_025099.6(CTC1):c.1206+5G>A

Gene: CTC1 (CST telomere replication complex component 1; minus strand). Cytogenetic location: 17p13.1.
Variant type: single nucleotide variant.
Coding change: c.1206+5G>A on transcript NM_025099.6 (MANE Select); 5 bases into the intron after coding-DNA position 1206, G replaced by A.
Molecular consequence: intron variant.
Genome position (GRCh38, 1-based): chr17:8,235,826, C>T on the plus strand (G>A on the coding strand, the complement: CTC1 is on the minus strand). VCF-style: chr17-8235826-C-T. GRCh37 (hg19) VCF-style: chr17-8139144-C-T.
Other names: c.1206+5G>A (NM_001411067.1).
Identifiers: ClinVar variation 3622718 (VCV003622718.2).